The following is an entry in ClinVar:

NM_015311.3(OBSL1):c.3467G>A (p.Arg1156Gln)

Gene: OBSL1 (obscurin like cytoskeletal adaptor 1; minus strand). Cytogenetic location: 2q35.
Variant type: single nucleotide variant.
Coding change: c.3467G>A on transcript NM_015311.3 (MANE Select); coding-DNA position 3467, G replaced by A.
Protein change: p.Arg1156Gln; replaces arginine 1156 with glutamine.
Molecular consequence: missense variant.
Genome position (GRCh38, 1-based): chr2:219,558,219, C>T on the plus strand (G>A on the coding strand, the complement: OBSL1 is on the minus strand). VCF-style: chr2-219558219-C-T. GRCh37 (hg19) VCF-style: chr2-220422941-C-T.
Other names: c.3467G>A, p.Arg1156Gln (NM_001173431.2); short protein forms R1156Q.
Identifiers: ClinVar variation 2227489 (VCV002227489.4), dbSNP rs368874304, ClinGen allele CA2130857.
Genomic context (GRCh38, chr2:219,558,219, plus strand): 5'-CCCTGGGTTGGCCAGGAGCACCCACCAGCCAGGATGACATTGAAGGTGATGGCCTCATGC[C>T]GGGTCTCACACACATACTCCCCGGCGTCCTCAGGCTGGGCGTGGGGCAGGGTCAGGGTGC-3'
Protein context (NP_056126.1, residues 1146-1166): EDAGEYVCET[Arg1156Gln]HEAITFNVIL

ClinVar aggregate classification (germline): Uncertain significance. Review status: criteria provided, multiple submitters, no conflicts (2 of 4 stars). 2 submissions from 2 submitters: Uncertain significance (2). Last evaluated 2024-12-17.

Conditions:
Inborn genetic diseases. Identifiers: MedGen C0950123, MeSH D030342.

Allele frequency attached by ClinVar (database versions not stated): ExAC 0.00003; gnomAD 0.00007; ESP Exome Variant Server 0.00008.
gnomAD v4.1: 38 of 1,608,068 alleles (0.0024%); highest among the groups gnomAD compares: Admixed American, 0.017%; 1 homozygote.

Submissions (2):

Ambry Genetics
Classification: Uncertain significance for Inborn genetic diseases. Last evaluated: 2024-12-17. Review status: criteria provided, single submitter. Criteria: Ambry Variant Classification Scheme 2023. Collection method: clinical testing. Allele origin: germline.

Women's Health and Genetics/Laboratory Corporation of America, LabCorp
Classification: Uncertain significance. Last evaluated: 2024-01-09. Review status: criteria provided, single submitter. Criteria: LabCorp Variant Classification Summary - May 2015. Collection method: clinical testing. Allele origin: germline.
Comment: Variant summary: OBSL1 c.3467G>A (p.Arg1156Gln) results in a conservative amino acid change located in the 9th immunoglobulin-like domain (IPR007110) of the encoded protein sequence. Four of five in-silico tools predict a benign effect of the variant on protein function. The variant allele was found at a frequency of 2.4e-05 in 1,601,096 control chromosomes in the gnomAD database (v4.0 dataset), including 1 homozygote. This frequency is not higher than the estimated maximum expected for a pathogenic variant in OBSL1 causing Three M Syndrome 2 (0.0011), allowing no conclusion about variant significance, although the presence in a homozygote suggests that the variant might be benign. To our knowledge, no occurrence of c.3467G>A in individuals affected with Three M Syndrome 2 and no experimental evidence demonstrating its impact on protein function have been reported. ClinVar contains an entry for this variant (Variation ID: 2227489). Based on the evidence outlined above, the variant was classified as uncertain significance.